The following is an entry in ClinVar:

ClinVar aggregate classification (germline): Conflicting classifications of pathogenicity. Review status: criteria provided, conflicting classifications (1 of 4 stars). 7 submissions from 6 submitters: Uncertain significance (6); Likely benign (1). Last evaluated 2026-02-03.

Conditions:
Autosomal dominant nonsyndromic hearing loss 6 (LFSNHL). Also called: DEAFNESS, AUTOSOMAL DOMINANT 6; DEAFNESS, AUTOSOMAL DOMINANT 14; DEAFNESS, AUTOSOMAL DOMINANT 38; Autosomal dominant nonsyndromic deafness 6. Identifiers: Orphanet 90635, MedGen C1833021, MONDO:0010963, OMIM 600965.
Type 2 diabetes mellitus. Also called: Type II diabetes mellitus. Identifiers: MedGen C0011860, MeSH D003924, MONDO:0005148, OMIM 125853, HP:0005978.
Wolfram syndrome 1 (WFS1). Identifiers: Orphanet 3463, MedGen C4551693, MONDO:0009101, OMIM 222300.
Cataract 41 (CTRCT41). Also called: CATARACT 41, CONGENITAL NUCLEAR TYPE. Identifiers: Orphanet 91492, Orphanet 98991, Orphanet 98992, Orphanet 98995, MedGen C3805412, MONDO:0007287, OMIM 116400.
Wolfram-like syndrome. Also called: HEARING LOSS, PROGRESSIVE, WITH OPTIC ATROPHY AND/OR IMPAIRED GLUCOSE REGULATION. Identifiers: Orphanet 411590, MedGen C3280358, MONDO:0013673, OMIM 614296.
WFS1-Related Spectrum Disorders.

Allele frequency attached by ClinVar (database versions not stated): gnomAD 0.00011 and 0.00015; ExAC 0.00015; gnomAD exomes 0.00016; ESP Exome Variant Server 0.00031; 1000 Genomes Project 30x 0.00047; 1000 Genomes Project 0.00060.
gnomAD v4.1: 252 of 1,614,034 alleles (0.016%); highest among the groups gnomAD compares: Middle Eastern, 0.05%; no homozygotes.

Submissions (7):

GeneDx
Classification: Uncertain significance. Last evaluated: 2026-02-03. Review status: criteria provided, single submitter. Criteria: GeneDx Variant Classification Process June 2021. Collection method: clinical testing. Allele origin: germline. Affected: yes.
Comment: Reported in unrelated patients with diabetes in published literature (PMID: 31658956, 31264968); of note, two patients also harbored a second WFS1 variant (phase unknown); In silico analysis suggests that this missense variant does not alter protein structure/function; This variant is associated with the following publications: (PMID: 26435059, 34426522, 31264968, 39221226, 31658956, 40641032)

Labcorp Genetics (formerly Invitae), Labcorp
Classification: Uncertain significance. Last evaluated: 2026-01-26. Review status: criteria provided, single submitter. Criteria: Invitae Variant Classification Sherloc (09022015). Collection method: clinical testing. Allele origin: germline.
Comment: This sequence change replaces phenylalanine, which is neutral and non-polar, with isoleucine, which is neutral and non-polar, at codon 329 of the WFS1 protein (p.Phe329Ile). This variant is present in population databases (rs188848517, gnomAD 0.04%). This missense change has been observed in individual(s) with WFS1-related conditions (PMID: 39221226). ClinVar contains an entry for this variant (Variation ID: 504708). Invitae Evidence Modeling of protein sequence and biophysical properties (such as structural, functional, and spatial information, amino acid conservation, physicochemical variation, residue mobility, and thermodynamic stability) indicates that this missense variant is not expected to disrupt WFS1 protein function with a negative predictive value of 95%. Experimental studies have shown that this missense change does not substantially affect WFS1 function (PMID: 39221226). In summary, the available evidence is currently insufficient to determine the role of this variant in disease. Therefore, it has been classified as a Variant of Uncertain Significance.

Blueprint Genetics
Classification: Uncertain significance. Last evaluated: 2024-11-13. Review status: criteria provided, single submitter. Criteria: ACMG Guidelines, 2015. Collection method: clinical testing. Allele origin: germline.

Fulgent Genetics
Classification: Uncertain significance for Cataract 41; Type 2 diabetes mellitus; Wolfram syndrome 1; Autosomal dominant nonsyndromic hearing loss 6; Wolfram-like syndrome. Last evaluated: 2024-02-12. Review status: criteria provided, single submitter. Criteria: ACMG Guidelines, 2015. Collection method: clinical testing. Allele origin: germline.

Illumina Laboratory Services, Illumina
Classification: Uncertain significance for WFS1-Related Spectrum Disorders. Last evaluated: 2018-01-13. Review status: criteria provided, single submitter. Criteria: ICSL Variant Classification Criteria 13 December 2019. Collection method: clinical testing. Allele origin: germline.

Illumina Laboratory Services, Illumina
Classification: Likely benign for Autosomal dominant nonsyndromic hearing loss 6. Last evaluated: 2018-01-13. Review status: criteria provided, single submitter. Criteria: ICSL Variant Classification Criteria 13 December 2019. Collection method: clinical testing. Allele origin: germline.
Comment: This variant was observed in the ICSL laboratory as part of a predisposition screen in an ostensibly healthy population. It had not been previously curated by ICSL or reported in the Human Gene Mutation Database (HGMD: prior to June 1st, 2018), and was therefore a candidate for classification through an automated scoring system. Utilizing variant allele frequency, disease prevalence and penetrance estimates, and inheritance mode, an automated score was calculated to assess if this variant is too frequent to cause the disease. Based on the score and internal cut-off values, a variant classified as likely benign is not then subjected to further curation. The score for this variant resulted in a classification of likely benign for this disease.

Laboratory for Molecular Medicine, Mass General Brigham Personalized Medicine
Classification: Uncertain significance. Last evaluated: 2016-05-02. Review status: criteria provided, single submitter. Criteria: LMM Criteria. Collection method: clinical testing. Allele origin: germline. Observed: 1 variant allele.
Comment: The p.Phe329Ile variant in WFS1 has not been previously reported in individuals with hearing loss or features of Wolfram syndrome. It has been identified in se veral populations with a total allele count of 18/121406 chromosomes by the Exom e Aggregation Consortium (ExAC; dbSNP rs18884851 7). Computational prediction tools and conservation analyses do not provide st rong support for or against an impact to the protein. In summary, the clinical s ignificance of the p.Phe329Ile variant is uncertain.

Literature cited by the submitters: PubMed 39221226 (cited by Labcorp Genetics (formerly Invitae), Labcorp).

NM_006005.3(WFS1):c.985T>A (p.Phe329Ile)

Gene: WFS1 (wolframin ER transmembrane glycoprotein; plus strand). Cytogenetic location: 4p16.1.
Variant type: single nucleotide variant.
Coding change: c.985T>A on transcript NM_006005.3 (MANE Select); coding-DNA position 985, T replaced by A.
Protein change: p.Phe329Ile; replaces phenylalanine 329 with isoleucine.
Molecular consequence: missense variant.
Genome position (GRCh38, 1-based): chr4:6,300,780, T>A. VCF-style: chr4-6300780-T-A. GRCh37 (hg19) VCF-style: chr4-6302507-T-A.
Other names: c.985T>A, p.Phe329Ile (NM_001145853.1); short protein forms F329I.
Identifiers: ClinVar variation 504708 (VCV000504708.23), dbSNP rs188848517, ClinGen allele CA2839181.
Genomic context (GRCh38, chr4:6,300,780, plus strand): 5'-AGGGCAGGCATGCACTGGCTGTCCACCATCATCCCCACGCACCACATCAACGCGCTCATC[T>A]TCTTCTTCATCGTCAGCAACCTCACCATCGACTTCTTCGCCTTCTTCATCCCGCTGGTCA-3'
Protein context (NP_005996.2, residues 319-339): IPTHHINALI[Phe329Ile]FFIVSNLTID